The following is an entry in ClinVar:

ClinVar aggregate classification (germline): Conflicting classifications of pathogenicity. Review status: criteria provided, conflicting classifications (1 of 4 stars). 3 submissions from 3 submitters: Uncertain significance (2); Benign (1). Last evaluated 2024-10-28.

Conditions:
Wilms tumor 1 (WT1). Also called: Wilms tumor, somatic. Identifiers: Orphanet 654, MedGen CN033288, MONDO:0008679, OMIM 194070.
Frasier syndrome. Identifiers: Orphanet 347, MedGen C0950122, MeSH D052159, MONDO:0007635, OMIM 136680.
11p partial monosomy syndrome (WAGR). Also called: WAGR Spectrum Disorder; WAGR syndrome; WAGR Complex; CHROMOSOME 11p13 DELETION SYNDROME. Identifiers: Orphanet 893, MedGen C0206115, MONDO:0008681, OMIM 194072.
Drash syndrome (DDS). Also called: NEPHROPATHY, WILMS TUMOR, AND GENITAL ANOMALIES; WILMS TUMOR AND PSEUDO- OR TRUE HERMAPHRODITISM. Identifiers: Orphanet 220, MedGen C0950121, MONDO:0008682, OMIM 194080.
Inborn genetic diseases. Identifiers: MedGen C0950123, MeSH D030342.

Allele frequency attached by ClinVar (database versions not stated): TOPMed below 0.00001; gnomAD exomes 0.00002; ExAC 0.00003.

Submissions (3):

Ambry Genetics
Classification: Benign for Inborn genetic diseases. Last evaluated: 2024-10-28. Review status: criteria provided, single submitter. Criteria: Ambry Variant Classification Scheme 2023. Collection method: clinical testing. Allele origin: germline.

Labcorp Genetics (formerly Invitae), Labcorp
Classification: Uncertain significance for Wilms tumor 1; Drash syndrome; 11p partial monosomy syndrome; Frasier syndrome. Last evaluated: 2023-11-06. Review status: criteria provided, single submitter. Criteria: Invitae Variant Classification Sherloc (09022015). Collection method: clinical testing. Allele origin: germline.
Comment: This sequence change replaces proline, which is neutral and non-polar, with threonine, which is neutral and polar, at codon 131 of the WT1 protein (p.Pro131Thr). This variant is present in population databases (rs748045691, gnomAD 0.008%). This variant has not been reported in the literature in individuals affected with WT1-related conditions. ClinVar contains an entry for this variant (Variation ID: 1410062). Advanced modeling of protein sequence and biophysical properties (such as structural, functional, and spatial information, amino acid conservation, physicochemical variation, residue mobility, and thermodynamic stability) has been performed at Invitae for this missense variant, however the output from this modeling did not meet the statistical confidence thresholds required to predict the impact of this variant on WT1 protein function. In summary, the available evidence is currently insufficient to determine the role of this variant in disease. Therefore, it has been classified as a Variant of Uncertain Significance.

Baylor Genetics
Classification: Uncertain significance for Drash syndrome. Last evaluated: 2023-06-25. Review status: criteria provided, single submitter. Criteria: ACMG Guidelines, 2015. Collection method: clinical testing. Allele origin: unknown.

NM_024426.6(WT1):c.406C>A (p.Pro136Thr)

Genes: WT1 (WT1 transcription factor; minus strand), LOC107982234 (WT1/WT1-AS bi-directional promoter region; plus strand). Cytogenetic location: 11p13.
Variant type: single nucleotide variant.
Coding change: c.406C>A on transcript NM_024426.6 (MANE Select); coding-DNA position 406, C replaced by A.
Protein change: p.Pro136Thr; replaces proline 136 with threonine.
Molecular consequence: missense variant. On other transcripts: non-coding transcript variant (1).
Genome position (GRCh38, 1-based): chr11:32,434,955, G>T on the plus strand (C>A on the coding strand, the complement: WT1 is on the minus strand). VCF-style: chr11-32434955-G-T. GRCh37 (hg19) VCF-style: chr11-32456501-G-T.
Other names: c.391C>A (NM_024426.4); c.406C>A, p.Pro136Thr (NM_000378.6, NM_024424.5); short protein forms P136T.
Identifiers: ClinVar variation 1410062 (VCV001410062.8), dbSNP rs748045691, ClinGen allele CA064905.